The following is an entry in ClinVar:

ClinVar aggregate classification (germline): Benign. Review status: reviewed by expert panel (3 of 4 stars). 22 submissions from 22 submitters: Benign (1). 21 of the submissions do not count toward it. Last evaluated 2017-06-29.

Conditions:
Hereditary cancer-predisposing syndrome. Also called: Tumor predisposition; Hereditary neoplastic syndrome; Neoplastic Syndromes, Hereditary; Hereditary Cancer Syndrome. Identifiers: Orphanet 140162, MedGen C0027672, MeSH D009386, MONDO:0015356.
Hereditary breast ovarian cancer syndrome. Also called: Hereditary breast and ovarian cancer; BRCA1- and BRCA2-Associated Hereditary Breast and Ovarian Cancer; Hereditary breast and/or ovarian cancer syndrome; Hereditary breast and ovarian cancer syndrome; Hereditary breast and ovarian cancer syndrome (HBOC); Breast and ovarian cancer. Identifiers: Orphanet 145, MedGen C0677776, MeSH D061325, MONDO:0003582. Disease mechanism: loss of function.
Breast-ovarian cancer, familial, susceptibility to, 2 (BROVCA2). Also called: BRCA2 Hereditary Breast and Ovarian Cancer. Identifiers: Orphanet 145, MedGen C2675520, MONDO:0012933, OMIM 612555. Disease mechanism: loss of function.
Malignant tumor of breast. Also called: Malignant breast neoplasm; Cancer breast. Identifiers: MedGen C0006142, MONDO:0007254. Disease mechanism: loss of function.

Allele frequency attached by ClinVar (database versions not stated): gnomAD 0.00102; TOPMed 0.00132; ESP Exome Variant Server 0.00146; 1000 Genomes Project 30x 0.00203; 1000 Genomes Project 0.00240.
gnomAD v4.1: 377 of 1,613,604 alleles (0.023%); highest among the groups gnomAD compares: African/African-American, 0.46%; no homozygotes.

Submissions (22):

Evidence-based Network for the Interpretation of Germline Mutant Alleles (ENIGMA)
Classification: Benign for Breast-ovarian cancer, familial, susceptibility to, 2. Last evaluated: 2017-06-29. Review status: reviewed by expert panel. Criteria: ENIGMA BRCA1/2 Classification Criteria (2017-06-29). Collection method: curation. Allele origin: germline.
Comment: Synonymous substitution variant, with low bioinformatic likelihood to alter mRNA splicing (splicing prior 0.02) and frequency 0.0061 (African), derived from ExAC (2014-12-17).

Labcorp Genetics (formerly Invitae), Labcorp
Classification: Benign for Hereditary breast ovarian cancer syndrome. Last evaluated: 2026-02-03. Review status: criteria provided, single submitter. Criteria: Invitae Variant Classification Sherloc (09022015). Collection method: clinical testing. Allele origin: germline. Not counted in ClinVar's aggregate classification.

Center for Genomic Medicine, Rigshospitalet, Copenhagen University Hospital
Classification: Benign. Last evaluated: 2025-03-04. Review status: criteria provided, single submitter. Criteria: ACMG Guidelines, 2015. Collection method: clinical testing. Allele origin: germline. Not counted in ClinVar's aggregate classification.

Blueprint Genetics
Classification: Likely benign. Last evaluated: 2024-10-11. Review status: criteria provided, single submitter. Criteria: ACMG Guidelines, 2015. Collection method: clinical testing. Allele origin: germline. Not counted in ClinVar's aggregate classification.

Institute for Biomarker Research, Medical Diagnostic Laboratories, L.L.C.
Classification: Benign for Hereditary breast ovarian cancer syndrome. Last evaluated: 2023-02-14. Review status: criteria provided, single submitter. Criteria: ACMG Guidelines, 2015. Collection method: clinical testing. Allele origin: germline. Not counted in ClinVar's aggregate classification.

National Health Laboratory Service, Universitas Academic Hospital and University of the Free State
Classification: Benign for Hereditary breast ovarian cancer syndrome. Last evaluated: 2022-04-19. Review status: criteria provided, single submitter. Criteria: ACMG Guidelines, 2015. Collection method: clinical testing. Allele origin: germline. Affected: yes. Observed: 8 variant alleles. Not counted in ClinVar's aggregate classification.

Genetic Services Laboratory, University of Chicago
Classification: Benign. Last evaluated: 2021-05-24. Review status: criteria provided, single submitter. Criteria: ACMG Guidelines, 2015. Collection method: clinical testing. Allele origin: germline. Affected: no. Not counted in ClinVar's aggregate classification.

Sema4
Classification: Benign for Hereditary cancer-predisposing syndrome. Last evaluated: 2020-12-08. Review status: criteria provided, single submitter. Criteria: Sema4 Curation Guidelines. Collection method: curation. Allele origin: germline. Not counted in ClinVar's aggregate classification.

Mendelics
Classification: Likely benign for Breast-ovarian cancer, familial, susceptibility to, 2. Last evaluated: 2019-05-28. Review status: criteria provided, single submitter. Criteria: Mendelics Assertion Criteria 2017. Collection method: clinical testing. Allele origin: unknown. Not counted in ClinVar's aggregate classification.

Eurofins Ntd Llc (ga)
Classification: Benign. Last evaluated: 2018-01-16. Review status: criteria provided, single submitter. Criteria: EGL Classification Definitions 2015. Collection method: clinical testing. Allele origin: germline. Not counted in ClinVar's aggregate classification.

ARUP Laboratories, Molecular Genetics and Genomics, ARUP Laboratories
Classification: Benign. Last evaluated: 2017-07-17. Review status: criteria provided, single submitter. Criteria: ARUP Molecular Germline Variant Investigation Process. Collection method: clinical testing. Allele origin: germline. Not counted in ClinVar's aggregate classification.

PreventionGenetics, part of Exact Sciences
Classification: Likely benign. Last evaluated: 2017-07-11. Review status: criteria provided, single submitter. Criteria: ACMG Guidelines, 2015. Collection method: clinical testing. Allele origin: germline. Not counted in ClinVar's aggregate classification.

Color Diagnostics, LLC DBA Color Health
Classification: Likely benign for Hereditary cancer-predisposing syndrome. Last evaluated: 2015-04-08. Review status: criteria provided, single submitter. Criteria: ACMG Guidelines, 2015. Collection method: clinical testing. Allele origin: germline. Not counted in ClinVar's aggregate classification.

Molecular Genetics Laboratory, University of Michigan
Classification: Benign for Breast-ovarian cancer, familial, susceptibility to, 2. Last evaluated: 2014-11-03. Review status: criteria provided, single submitter. Criteria: ACMG Guidelines, 2015. Collection method: clinical testing. Allele origin: germline. Affected: yes. Not counted in ClinVar's aggregate classification.

Ambry Genetics
Classification: Likely benign for Hereditary cancer-predisposing syndrome. Last evaluated: 2014-07-01. Review status: criteria provided, single submitter. Criteria: Ambry Variant Classification Scheme 2023. Collection method: clinical testing. Allele origin: germline. Not counted in ClinVar's aggregate classification.

GeneDx
Classification: Benign. Last evaluated: 2013-10-29. Review status: criteria provided, single submitter. Criteria: GeneDx Variant Classification (06012015). Collection method: clinical testing. Allele origin: germline. Affected: yes. Not counted in ClinVar's aggregate classification.
Comment: This variant is considered likely benign or benign based on one or more of the following criteria: it is a conservative change, it occurs at a poorly conserved position in the protein, it is predicted to be benign by multiple in silico algorithms, and/or has population frequency not consistent with disease.

Breakthrough Genomics
Classification: Benign. Review status: criteria provided, single submitter. Criteria: ACMG Guidelines, 2015. Collection method: not provided. Allele origin: germline. Inheritance: Autosomal recessive inheritance. Affected: yes. Not counted in ClinVar's aggregate classification.

Clinical Genetics DNA and cytogenetics Diagnostics Lab, Erasmus MC, Erasmus Medical Center
Classification: Likely benign. Review status: no assertion criteria provided. Collection method: clinical testing. Allele origin: germline. Affected: yes. Study: VKGL Data-share Consensus. Not counted in ClinVar's aggregate classification.

Clinical Genetics Laboratory, Department of Pathology, Netherlands Cancer Institute
Classification: Likely benign. Review status: no assertion criteria provided. Collection method: clinical testing. Allele origin: germline. Affected: yes. Study: VKGL Data-share Consensus. Not counted in ClinVar's aggregate classification.

Department of Pathology and Laboratory Medicine, Sinai Health System
Classification: Likely benign for Malignant tumor of breast. Review status: no assertion criteria provided. Collection method: clinical testing. Allele origin: unknown. Affected: yes. Study: The Canadian Open Genetics Repository (COGR). Not counted in ClinVar's aggregate classification.
Comment: The BRCA2 p.Asn2019Asn variant was identified in 9 of 868 proband chromosomes (frequency: 0.01) from individuals or families with breast cancer (Fackenthal 2012). The variant was also identified in dbSNP (ID: rs147961615) as â€šÃ„ÃºWith Likely benign alleleâ€šÃ„Ã¹, Clinvitae database (classified as benign by ClinVar and Invitae; classified as likely benign by ClinVar), the ClinVar database (classified as benign by GeneDx, Invitae, MMGLUM; classified as likely benign by Ambry genetics) and UMD (28x with an â€šÃ„Ãºunclassified variantâ€šÃ„Ã¹ classification). In UMD the variant was identified with a co-occurring pathogenic BRCA2 variant (c.1310_1313delAAGA, p.Lys437IlefsX22), increasing the likelihood that the p.Asn2019Asn variant does not have clinical significance. This variant was identified in the 1000 Genomes Project in 12 of 5000 chromosomes (frequency: 0.002), the NHLBI GO Exome Sequencing Project in 19 of 4406 African American alleles, and the Exome Aggregation Consortium database (August 8, 2016) in 60 of 120608 chromosomes (freq. 0.0005) in the following populations: African in 59 of 10044 chromosomes (freq. 0.006) and Latino in 1 of 11568 chromosomes (freq. 0.00008), increasing the likelihood that this may be a low frequency benign variant in certain populations of origin. The p.Asn2019Asn variant is not expected to have clinical significance because it does not result in a change of amino acid and is not located in a known consensus splice site. The variant occurs outside of the splicing consensus sequence and 3 of 5 in silico or computational prediction software programs (SpliceSiteFinder, MaxEntScan, NNSPLICE, GeneSplicer, HumanSpliceFinder) predict a greater than 10% difference in splicing. However, this information is not predictive enough to assume pathogenicity. In summary, based on the above information, the clinical significance of this variant cannot be determined with certainty at this time although we would lean towards a more benign role for this variant. This variant is classified as likely benign.

Genome Diagnostics Laboratory, University Medical Center Utrecht
Classification: Likely benign. Review status: no assertion criteria provided. Collection method: clinical testing. Allele origin: germline. Affected: yes. Study: VKGL Data-share Consensus. Not counted in ClinVar's aggregate classification.

Joint Genome Diagnostic Labs from Nijmegen and Maastricht, Radboudumc and MUMC+
Classification: Benign. Review status: no assertion criteria provided. Collection method: clinical testing. Allele origin: germline. Affected: yes. Study: VKGL Data-share Consensus. Not counted in ClinVar's aggregate classification.

Literature cited by the submitters: DOI 10.3389/fgene.2022.834265 (cited by National Health Laboratory Service, Universitas Academic Hospital and University of the Free State).

NM_000059.4(BRCA2):c.6057C>T (p.Asn2019=)

Gene: BRCA2 (BRCA2 DNA repair associated; plus strand). Cytogenetic location: 13q13.1.
Variant type: single nucleotide variant.
Coding change: c.6057C>T on transcript NM_000059.4 (MANE Select); coding-DNA position 6057, C replaced by T.
Protein change: p.Asn2019=; no amino-acid change (asparagine 2019 retained).
Molecular consequence: synonymous variant.
Genome position (GRCh38, 1-based): chr13:32,340,412, C>T. VCF-style: chr13-32340412-C-T. GRCh37 (hg19) VCF-style: chr13-32914549-C-T.
Other names: p.N2019N:AAC>AAT; NP_000050.3:p.Asn2019=.
Identifiers: ClinVar variation 136562 (VCV000136562.54), dbSNP rs147961615, ClinGen allele CA023572.
Genomic context (GRCh38, chr13:32,340,412, plus strand): 5'-GTTTTCTGAAATAGAAGATAGTACCAAGCAAGTCTTTTCCAAAGTATTGTTTAAAAGTAA[C>T]GAACATTCAGACCAGCTCACAAGAGAAGAAAATACTGCTATACGTACTCCAGAACATTTA-3'
Protein context (NP_000050.3, residues 2009-2029): QVFSKVLFKS[Asn2019=]EHSDQLTREE